The following is an entry in ClinVar:

ClinVar aggregate classification (germline): Conflicting classifications of pathogenicity. Review status: criteria provided, conflicting classifications (1 of 4 stars). 3 submissions from 3 submitters: Likely pathogenic (1); Uncertain significance (1). 1 of the submissions does not count toward it. Last evaluated 2019-06-05.

Conditions:
Charcot-Marie-Tooth disease, type I (CMT1). Also called: Charcot-Marie-Tooth, Type 1; Charcot-Marie-Tooth disease type 1. Identifiers: Orphanet 65753, MedGen C0751036, MONDO:0019011.
DEJERINE-SOTTAS SYNDROME, AUTOSOMAL DOMINANT. Identifiers: MedGen C4016264.

Submissions (3):

Labcorp Genetics (formerly Invitae), Labcorp
Classification: Likely pathogenic for Charcot-Marie-Tooth disease, type I. Last evaluated: 2019-06-05. Review status: criteria provided, single submitter. Criteria: Invitae Variant Classification Sherloc (09022015). Collection method: clinical testing. Allele origin: germline.
Comment: This sequence change replaces glycine with cysteine at codon 150 of the PMP22 protein (p.Gly150Cys). The glycine residue is highly conserved and there is a large physicochemical difference between glycine and cysteine. This variant is not present in population databases (ExAC no frequency). This variant has been observed to segregate with Dejerine-Sottas disease in a family (PMID: 9544841). ClinVar contains an entry for this variant (Variation ID: 8439). This variant has been reported to affect PMP22 protein function (PMID: 12901701). This variant disrupts the p.Gly150 amino acid residue in PMP22. Other variant(s) that disrupt this residue have been determined to be pathogenic (PMID: 8995589, 26102530, 18795802, 25385046, 10078969, 15474367, 9425015, 15537650, 10982389, 26392352). This suggests that this residue is clinically significant, and that variants that disrupt this residue are likely to be disease-causing. In summary, the currently available evidence indicates that the variant is pathogenic, but additional data are needed to prove that conclusively. Therefore, this variant has been classified as Likely Pathogenic.

Eurofins Ntd Llc (ga)
Classification: Uncertain significance. Last evaluated: 2016-12-01. Review status: criteria provided, single submitter. Criteria: EGL Classification Definitions 2015. Collection method: clinical testing. Allele origin: germline. Observed: 1 variant allele, 1 heterozygote.

OMIM
Classification: Pathogenic for DEJERINE-SOTTAS SYNDROME, AUTOSOMAL DOMINANT. Last evaluated: 1998-03-01. Review status: no assertion criteria provided. Collection method: literature only. Allele origin: germline. Not counted in ClinVar's aggregate classification.

Literature cited by the submitters: PubMed 9544841 (cited by 3 submitters); PubMed 12901701 (cited by Labcorp Genetics (formerly Invitae), Labcorp and Eurofins Ntd Llc (ga)); PubMed 8995589 (cited by Labcorp Genetics (formerly Invitae), Labcorp); PubMed 26102530 (cited by Labcorp Genetics (formerly Invitae), Labcorp); PubMed 18795802 (cited by Labcorp Genetics (formerly Invitae), Labcorp); PubMed 25385046 (cited by Labcorp Genetics (formerly Invitae), Labcorp); PubMed 10078969 (cited by Labcorp Genetics (formerly Invitae), Labcorp); PubMed 15474367 (cited by Labcorp Genetics (formerly Invitae), Labcorp); PubMed 9425015 (cited by Labcorp Genetics (formerly Invitae), Labcorp); PubMed 15537650 (cited by Labcorp Genetics (formerly Invitae), Labcorp); PubMed 10982389 (cited by Labcorp Genetics (formerly Invitae), Labcorp); PubMed 26392352 (cited by Labcorp Genetics (formerly Invitae), Labcorp).

NM_000304.4(PMP22):c.448G>T (p.Gly150Cys)

Gene: PMP22 (peripheral myelin protein 22; minus strand). Cytogenetic location: 17p12.
Variant type: single nucleotide variant.
Coding change: c.448G>T on transcript NM_000304.4 (MANE Select); coding-DNA position 448, G replaced by T.
Protein change: p.Gly150Cys; replaces glycine 150 with cysteine.
Molecular consequence: missense variant. On other transcripts: non-coding transcript variant (2).
Genome position (GRCh38, 1-based): chr17:15,230,952, C>A on the plus strand (G>T on the coding strand, the complement: PMP22 is on the minus strand). VCF-style: chr17-15230952-C-A. GRCh37 (hg19) VCF-style: chr17-15134269-C-A.
Other names: c.448G>T, p.Gly150Cys (NM_001281455.2, NM_001281456.2, NM_153321.3 and 1 more transcripts); short protein forms G150C.
Identifiers: ClinVar variation 8439 (VCV000008439.10), dbSNP rs104894624, ClinGen allele CA119624.